The following is an entry in ClinVar:

ClinVar aggregate classification (germline): Uncertain significance. Review status: criteria provided, multiple submitters, no conflicts (2 of 4 stars). 2 submissions from 2 submitters: Uncertain significance (2). Last evaluated 2023-11-07.

Conditions:
Familial isolated arrhythmogenic right ventricular dysplasia. Identifiers: Orphanet 217656, MedGen C4274968, MONDO:0016342.

gnomAD v4.1: 15 of 1,613,644 alleles (0.00093%); highest among the groups gnomAD compares: East Asian, 0.0022%; no homozygotes.

Submissions (2):

Women's Health and Genetics/Laboratory Corporation of America, LabCorp
Classification: Uncertain significance. Last evaluated: 2023-11-07. Review status: criteria provided, single submitter. Criteria: LabCorp Variant Classification Summary - May 2015. Collection method: clinical testing. Allele origin: germline.
Comment: Variant summary: DSC2 c.1238A>T (p.Asn413Ile) results in a non-conservative amino acid change located in the Cadherin-like (IPR002126) of the encoded protein sequence. Four of five in-silico tools predict a damaging effect of the variant on protein function. The variant allele was found at a frequency of 4e-06 in 250928 control chromosomes. The available data on variant occurrences in the general population are insufficient to allow any conclusion about variant significance. To our knowledge, no occurrence of c.1238A>T in individuals affected with Arrhythmogenic Right Ventricular Dysplasia/Cardiomyopathy and no experimental evidence demonstrating its impact on protein function have been reported. No submitters have cited clinical-significance assessments for this variant to ClinVar after 2014. Based on the evidence outlined above, the variant was classified as uncertain significance.

All of Us Research Program, National Institutes of Health
Classification: Uncertain significance for Familial isolated arrhythmogenic right ventricular dysplasia. Last evaluated: 2023-04-10. Review status: criteria provided, single submitter. Criteria: ACMG Guidelines, 2015. Collection method: clinical testing. Allele origin: germline. Inheritance: Autosomal dominant inheritance. Observed: 1 variant allele, 1 heterozygote.
Comment: This missense variant replaces asparagine with isoleucine at codon 413 of the DSC2 protein. Computational prediction is inconclusive regarding the impact of this variant on protein structure and function (internally defined REVEL score threshold 0.5 < inconclusive < 0.7, PMID: 27666373). To our knowledge, functional studies have not been reported for this variant. This variant has not been reported in individuals affected with DSC2-related disorders in the literature. This variant has been identified in 1/250928 chromosomes in the general population by the Genome Aggregation Database (gnomAD). The available evidence is insufficient to determine the role of this variant in disease conclusively. Therefore, this variant is classified as a Variant of Uncertain Significance.

This study involves interpretation of variants in research participants for the purpose of population health screening. Participant phenotype was not available at the time of variant classification. Additional details can be found in publication PMID: 35346344, PMCID: PMC8962531

NM_024422.6(DSC2):c.1238A>T (p.Asn413Ile)

Gene: DSC2 (desmocollin 2; minus strand). Cytogenetic location: 18q12.1.
Variant type: single nucleotide variant.
Coding change: c.1238A>T on transcript NM_024422.6 (MANE Select); coding-DNA position 1238, A replaced by T.
Protein change: p.Asn413Ile; replaces asparagine 413 with isoleucine.
Molecular consequence: missense variant.
Genome position (GRCh38, 1-based): chr18:31,082,263, T>A on the plus strand (A>T on the coding strand, the complement: DSC2 is on the minus strand). VCF-style: chr18-31082263-T-A. GRCh37 (hg19) VCF-style: chr18-28662229-T-A.
Other names: c.809A>T, p.Asn270Ile (NM_001406506.1, NM_001406507.1); c.1238A>T, p.Asn413Ile (NM_004949.5); short protein forms N270I, N413I.
Identifiers: ClinVar variation 2682375 (VCV002682375.2), dbSNP rs1293927459, ClinGen allele CA402109496.